The following is an entry in ClinVar:

ClinVar aggregate classification (germline): Benign. Review status: criteria provided, multiple submitters, no conflicts (2 of 4 stars). 5 submissions from 5 submitters: Benign (4). 1 of the submissions does not count toward it. Last evaluated 2026-02-01.

Conditions:
Hyperuricemia, pulmonary hypertension, renal failure, alkalosis syndrome (HUPRAS). Also called: HUPRA SYNDROME; HYPERURICEMIA, PULMONARY HYPERTENSION, RENAL FAILURE, AND ALKALOSIS SYNDROME. Identifiers: Orphanet 363694, MedGen C3151209, MONDO:0013458, OMIM 613845.

Allele frequency attached by ClinVar (database versions not stated): ESP Exome Variant Server 0.13740; TOPMed 0.14168; gnomAD 0.14659 and 0.15104; gnomAD exomes 0.17366 and 0.17539; ExAC 0.17732; 1000 Genomes Project 30x 0.18379; 1000 Genomes Project 0.18990.
gnomAD v4.1: 275,142 of 1,606,272 alleles (17%); highest among the groups gnomAD compares: East Asian, 31%; 24,814 homozygotes.

Submissions (5):

Labcorp Genetics (formerly Invitae), Labcorp
Classification: Benign. Last evaluated: 2026-02-01. Review status: criteria provided, single submitter. Criteria: Invitae Variant Classification Sherloc (09022015). Collection method: clinical testing. Allele origin: germline.

Illumina Laboratory Services, Illumina
Classification: Benign for Hyperuricemia, pulmonary hypertension, renal failure, alkalosis syndrome. Last evaluated: 2018-01-12. Review status: criteria provided, single submitter. Criteria: ICSL Variant Classification Criteria 13 December 2019. Collection method: clinical testing. Allele origin: germline.
Comment: This variant was observed in the ICSL laboratory as part of a predisposition screen in an ostensibly healthy population. It had not been previously curated by ICSL or reported in the Human Gene Mutation Database (HGMD: prior to June 1st, 2018), and was therefore a candidate for classification through an automated scoring system. Utilizing variant allele frequency, disease prevalence and penetrance estimates, and inheritance mode, an automated score was calculated to assess if this variant is too frequent to cause the disease. Based on the score and internal cut-off values, a variant classified as benign is not then subjected to further curation. The score for this variant resulted in a classification of benign for this disease.

GeneDx
Classification: Benign. Last evaluated: 2015-03-03. Review status: criteria provided, single submitter. Criteria: GeneDx Variant Classification Process June 2021. Collection method: clinical testing. Allele origin: germline. Affected: yes.

Breakthrough Genomics
Classification: Benign. Review status: criteria provided, single submitter. Criteria: ACMG Guidelines, 2015. Collection method: not provided. Allele origin: germline. Inheritance: Autosomal recessive inheritance. Affected: yes.

Mayo Clinic Laboratories, Mayo Clinic
Classification: Benign. Last evaluated: 2016-02-22. Review status: no assertion criteria provided. Collection method: clinical testing. Allele origin: unknown. Not counted in ClinVar's aggregate classification.

NM_017827.4(SARS2):c.321G>A (p.Glu107=)

Gene: SARS2 (seryl-tRNA synthetase 2, mitochondrial; minus strand). Cytogenetic location: 19q13.2.
Variant type: single nucleotide variant.
Coding change: c.321G>A on transcript NM_017827.4 (MANE Select); coding-DNA position 321, G replaced by A.
Protein change: p.Glu107=; no amino-acid change (glutamic acid 107 retained).
Molecular consequence: synonymous variant.
Genome position (GRCh38, 1-based): chr19:38,926,247, C>T on the plus strand (G>A on the coding strand, the complement: SARS2 is on the minus strand). VCF-style: chr19-38926247-C-T. GRCh37 (hg19) VCF-style: chr19-39416887-C-T.
Other names: c.321G>A, p.Glu107= (NM_001145901.2).
Identifiers: ClinVar variation 329224 (VCV000329224.19), dbSNP rs11544093, ClinGen allele CA9423265.